The following is an entry in ClinVar:

NM_000254.3(MTR):c.3443A>T (p.Glu1148Val)

Gene: MTR (5-methyltetrahydrofolate-homocysteine methyltransferase; plus strand). Cytogenetic location: 1q43.
Variant type: single nucleotide variant.
Coding change: c.3443A>T on transcript NM_000254.3 (MANE Select); coding-DNA position 3443, A replaced by T.
Protein change: p.Glu1148Val; replaces glutamic acid 1148 with valine.
Molecular consequence: missense variant.
Genome position (GRCh38, 1-based): chr1:236,895,395, A>T. VCF-style: chr1-236895395-A-T. GRCh37 (hg19) VCF-style: chr1-237058695-A-T.
Other names: c.3290A>T, p.Glu1097Val (NM_001291939.1); c.2222A>T, p.Glu741Val (NM_001291940.2); c.3254A>T, p.Glu1085Val (NM_001410942.1); short protein forms E1085V, E1097V, E1148V, E741V.
Identifiers: ClinVar variation 1804391 (VCV001804391.1), dbSNP rs1368957034, ClinGen allele CA345389736.

ClinVar aggregate classification (germline): Uncertain significance (1 of 4 stars; one submission).

Allele frequency attached by ClinVar (database versions not stated): TOPMed below 0.00001; gnomAD 0.00001; gnomAD exomes 0.00002.
gnomAD v4.1: 33 of 1,604,994 alleles (0.0021%); highest among the groups gnomAD compares: Non-Finnish European, 0.0028%; no homozygotes.

Submission:

GeneDx
Classification: Uncertain significance. Last evaluated: 2022-06-14. Review status: criteria provided, single submitter. Criteria: GeneDx Variant Classification Process June 2021. Collection method: clinical testing. Allele origin: germline. Affected: yes.
Comment: Not observed at significant frequency in large population cohorts (gnomAD); In silico analysis supports that this missense variant has a deleterious effect on protein structure/function; Has not been previously published as pathogenic or benign to our knowledge